The following is an entry in ClinVar:

ClinVar aggregate classification (germline): Likely benign (1 of 4 stars; one submission).

Submission:

Laboratory for Molecular Medicine, Mass General Brigham Personalized Medicine
Classification: Likely benign. Last evaluated: 2016-06-21. Review status: criteria provided, single submitter. Criteria: LMM Criteria. Collection method: clinical testing. Allele origin: germline. Observed: 1 variant allele.
Comment: c.953-9T>C in intron 9 of TMPRSS3: This variant is not expected to have clinical significance because a T>C change at this position does not diverge from the sp lice consensus sequence and is therefore unlikely to impact splicing.

NM_001256317.3(TMPRSS3):c.953-9T>C

Gene: TMPRSS3 (transmembrane serine protease 3; minus strand). Cytogenetic location: 21q22.3.
Variant type: single nucleotide variant.
Coding change: c.953-9T>C on transcript NM_001256317.3 (MANE Select); 9 bases into the intron before coding-DNA position 953, T replaced by C.
Molecular consequence: intron variant.
Genome position (GRCh38, 1-based): chr21:42,380,221, A>G on the plus strand (T>C on the coding strand, the complement: TMPRSS3 is on the minus strand). VCF-style: chr21-42380221-A-G. GRCh37 (hg19) VCF-style: chr21-43800330-A-G.
Other names: c.953-9T>C (NM_024022.4); c.572-9T>C (NM_032404.3).
Identifiers: ClinVar variation 505139 (VCV000505139.5), dbSNP rs1555853318, ClinGen allele CA658799438.